The following is an entry in ClinVar:

ClinVar aggregate classification (germline): Likely benign. Review status: criteria provided, multiple submitters, no conflicts (2 of 4 stars). 4 submissions from 4 submitters: Likely benign (3). 1 of the submissions does not count toward it. Last evaluated 2025-09-10.

Conditions:
SNRNP200-related disorder. Also called: SNRNP200-related condition.
Retinitis pigmentosa 33 (RP33). Identifiers: Orphanet 791, MedGen C1835895, MONDO:0012477, OMIM 610359.

Allele frequency attached by ClinVar (database versions not stated): gnomAD exomes 0.00004 and 0.00010; ExAC 0.00016; ESP Exome Variant Server 0.00031; gnomAD 0.00033 and 0.00040; TOPMed 0.00041.
gnomAD v4.1: 101 of 1,613,316 alleles (0.0063%); highest among the groups gnomAD compares: African/African-American, 0.13%; no homozygotes.

Submissions (4):

Labcorp Genetics (formerly Invitae), Labcorp
Classification: Likely benign. Last evaluated: 2025-09-10. Review status: criteria provided, single submitter. Criteria: Invitae Variant Classification Sherloc (09022015). Collection method: clinical testing. Allele origin: germline.

Fulgent Genetics
Classification: Likely benign for Retinitis pigmentosa 33. Last evaluated: 2022-05-13. Review status: criteria provided, single submitter. Criteria: ACMG Guidelines, 2015. Collection method: clinical testing. Allele origin: unknown.

Blueprint Genetics
Classification: Likely benign. Last evaluated: 2022-01-29. Review status: criteria provided, single submitter. Criteria: ACMG Guidelines, 2015. Collection method: clinical testing. Allele origin: germline.

PreventionGenetics, part of Exact Sciences
Classification: Likely benign for SNRNP200-related condition. Last evaluated: 2019-10-28. Review status: no assertion criteria provided. Collection method: clinical testing. Allele origin: germline. Not counted in ClinVar's aggregate classification.
Comment: This variant is classified as likely benign based on ACMG/AMP sequence variant interpretation guidelines (Richards et al. 2015 PMID: 25741868, with internal and published modifications).

NM_014014.5(SNRNP200):c.982+10T>C

Gene: SNRNP200 (small nuclear ribonucleoprotein U5 subunit 200; minus strand). Cytogenetic location: 2q11.2.
Variant type: single nucleotide variant.
Coding change: c.982+10T>C on transcript NM_014014.5 (MANE Select); 10 bases into the intron after coding-DNA position 982, T replaced by C.
Molecular consequence: intron variant.
Genome position (GRCh38, 1-based): chr2:96,298,593, A>G on the plus strand (T>C on the coding strand, the complement: SNRNP200 is on the minus strand). VCF-style: chr2-96298593-A-G. GRCh37 (hg19) VCF-style: chr2-96964331-A-G.
Other names: c.982+10T>C (NM_014014.4).
Identifiers: ClinVar variation 1131128 (VCV001131128.13), dbSNP rs371450437, ClinGen allele CA1779044.